The following is an entry in ClinVar:

ClinVar aggregate classification (germline): Likely benign (1 of 4 stars; one submission).

Allele frequency attached by ClinVar (database versions not stated): ExAC 0.00001; gnomAD exomes below 0.00001.
gnomAD v4.1: 3 of 1,527,012 alleles (0.0002%); highest among the groups gnomAD compares: South Asian, 0.0022%; no homozygotes.

Submission:

GeneDx
Classification: Likely benign. Last evaluated: 2016-08-08. Review status: criteria provided, single submitter. Criteria: GeneDx Variant Classification (06012015). Collection method: clinical testing. Allele origin: germline. Affected: yes.
Comment: This variant is considered likely benign or benign based on one or more of the following criteria: it is a conservative change, it occurs at a poorly conserved position in the protein, it is predicted to be benign by multiple in silico algorithms, and/or has population frequency not consistent with disease.

NM_000138.5(FBN1):c.5788+14A>G

Gene: FBN1 (fibrillin 1; minus strand). Cytogenetic location: 15q21.1.
Variant type: single nucleotide variant.
Coding change: c.5788+14A>G on transcript NM_000138.5 (MANE Select); 14 bases into the intron after coding-DNA position 5788, A replaced by G.
Molecular consequence: intron variant.
Genome position (GRCh38, 1-based): chr15:48,446,692, T>C on the plus strand (A>G on the coding strand, the complement: FBN1 is on the minus strand). VCF-style: chr15-48446692-T-C. GRCh37 (hg19) VCF-style: chr15-48738889-T-C.
Identifiers: ClinVar variation 388481 (VCV000388481.1), dbSNP rs760353609, ClinGen allele CA055556.